The following is an entry in ClinVar:

ClinVar aggregate classification (germline): Likely benign (1 of 4 stars; one submission).

Allele frequency attached by ClinVar (database versions not stated): gnomAD exomes below 0.00001; gnomAD 0.00001; TOPMed 0.00001.
gnomAD v4.1: 6 of 1,613,882 alleles (0.00037%); highest among the groups gnomAD compares: Non-Finnish European, 0.00051%; no homozygotes.

Submission:

GeneDx
Classification: Likely benign. Last evaluated: 2017-11-15. Review status: criteria provided, single submitter. Criteria: GeneDx Variant Classification (06012015). Collection method: clinical testing. Allele origin: germline. Affected: yes.
Comment: This variant is considered likely benign or benign based on one or more of the following criteria: it is a conservative change, it occurs at a poorly conserved position in the protein, it is predicted to be benign by multiple in silico algorithms, and/or has population frequency not consistent with disease.

NM_001376.5(DYNC1H1):c.5977+10C>T

Gene: DYNC1H1 (dynein cytoplasmic 1 heavy chain 1; plus strand). Cytogenetic location: 14q32.31.
Variant type: single nucleotide variant.
Coding change: c.5977+10C>T on transcript NM_001376.5 (MANE Select); 10 bases into the intron after coding-DNA position 5977, C replaced by T.
Molecular consequence: intron variant.
Genome position (GRCh38, 1-based): chr14:102,008,347, C>T. VCF-style: chr14-102008347-C-T. GRCh37 (hg19) VCF-style: chr14-102474684-C-T.
Identifiers: ClinVar variation 513273 (VCV000513273.1), dbSNP rs1196167446, ClinGen allele CA658798265.